The following is an entry in ClinVar:

ClinVar aggregate classification (germline): Pathogenic (1 of 4 stars; one submission).

Conditions:
Myo-tubulinopathy.

Submission:

Harry Perkins Institute Of Medical Research, University Of Western Australia
Classification: Pathogenic for Myo-tubulinopathy. Review status: criteria provided, single submitter. Criteria: ACMG Guidelines, 2015. Collection method: research, in vitro. Allele origin: biparental, not applicable. Inheritance: Autosomal recessive inheritance. Affected: yes. Observed: 1 variant allele. Functional consequence: cellular mislocalization.
Comment: PP3_Strong, PM2_Supporting, PP2_Supporting, PS3_strong

Literature cited by the submitters: PubMed 40666348.

NM_006000.3(TUBA4A):c.1061G>A (p.Gly354Asp)

Gene: TUBA4A (tubulin alpha 4a; minus strand). Cytogenetic location: 2q35.
Variant type: single nucleotide variant.
Coding change: c.1061G>A on transcript NM_006000.3 (MANE Select); coding-DNA position 1061, G replaced by A.
Protein change: p.Gly354Asp; replaces glycine 354 with aspartic acid.
Molecular consequence: missense variant.
Genome position (GRCh38, 1-based): chr2:219,250,638, C>T on the plus strand (G>A on the coding strand, the complement: TUBA4A is on the minus strand). VCF-style: chr2-219250638-C-T. GRCh37 (hg19) VCF-style: chr2-220115360-C-T.
Other names: c.1016G>A, p.Gly339Asp (NM_001278552.2); short protein forms G339D, G354D.
Identifiers: ClinVar variation 4857653 (VCV004857653.1).